The following is an entry in ClinVar:

NM_020706.2(SCAF4):c.1585G>T (p.Glu529Ter)

Gene: SCAF4 (SR-related CTD associated factor 4; minus strand). Cytogenetic location: 21q22.11.
Variant type: single nucleotide variant.
Coding change: c.1585G>T on transcript NM_020706.2 (MANE Select); coding-DNA position 1585, G replaced by T.
Protein change: p.Glu529Ter; replaces glutamic acid 529 with a stop codon.
Molecular consequence: nonsense.
Genome position (GRCh38, 1-based): chr21:31,692,378, C>A on the plus strand (G>T on the coding strand, the complement: SCAF4 is on the minus strand). VCF-style: chr21-31692378-C-A. GRCh37 (hg19) VCF-style: chr21-33064691-C-A.
Other names: c.1540G>T, p.Glu514Ter (NM_001145444.1); c.1585G>T, p.Glu529Ter (NM_001145445.1); short protein forms E514*, E529*.
Identifiers: ClinVar variation 4526889 (VCV004526889.2).

ClinVar aggregate classification (germline): Likely pathogenic (1 of 4 stars; one submission).

Conditions:
Fliedner-Zweier syndrome (FZS). Identifiers: MedGen C5882693, MONDO:0957787, OMIM 620511.

Submission:

Molecular Genetics Laboratory, Motol Hospital
Classification: Likely pathogenic for Fliedner-Zweier syndrome. Last evaluated: 2025-11-07. Review status: criteria provided, single submitter. Criteria: ACMG Guidelines, 2015. Collection method: clinical testing. Allele origin: germline. Affected: yes. Observed: 1 variant allele.
Comment: Not present in gnomAD (v4.1.0), dbSNP or ClinVar (PM2). Rare truncating variants affecting the SCAF4 gene are associated with autosomal dominant "Fliedner-Zweier syndrome" (FZS; MIM:620511; PMID:36333968;PMID:32730804;PMID:37394306). To conclude, the variant c.1585G>T is classified as likely pathogenic (PM2, PVS1).